The following is an entry in ClinVar:

ClinVar aggregate classification (germline): Uncertain significance. Review status: criteria provided, multiple submitters, no conflicts (2 of 4 stars). 2 submissions from 2 submitters: Uncertain significance (2). Last evaluated 2023-04-11.

Conditions:
Age related macular degeneration 1 (ARMD1). Also called: MACULOPATHY, AGE-RELATED, 1. Identifiers: MedGen C1864205, MONDO:0011285, OMIM 603075.

Allele frequency attached by ClinVar (database versions not stated): gnomAD 0.00001; gnomAD exomes 0.00001 and 0.00004; ExAC 0.00001; TOPMed 0.00002.
gnomAD v4.1: 54 of 1,613,492 alleles (0.0033%); highest among the groups gnomAD compares: Non-Finnish European, 0.0045%; no homozygotes.

Submissions (2):

Genome-Nilou Lab
Classification: Uncertain significance for Age related macular degeneration 1. Last evaluated: 2023-04-11. Review status: criteria provided, single submitter. Criteria: ACMG Guidelines, 2015. Collection method: clinical testing. Allele origin: germline. Affected: no.

Labcorp Genetics (formerly Invitae), Labcorp
Classification: Uncertain significance. Last evaluated: 2023-03-08. Review status: criteria provided, single submitter. Criteria: Invitae Variant Classification Sherloc (09022015). Collection method: clinical testing. Allele origin: germline.
Comment: This variant has not been reported in the literature in individuals affected with HMCN1-related conditions. This variant is present in population databases (rs771757920, gnomAD 0.003%). This sequence change replaces glutamic acid, which is acidic and polar, with alanine, which is neutral and non-polar, at codon 5585 of the HMCN1 protein (p.Glu5585Ala). ClinVar contains an entry for this variant (Variation ID: 294311). In summary, the available evidence is currently insufficient to determine the role of this variant in disease. Therefore, it has been classified as a Variant of Uncertain Significance. An algorithm developed to predict the effect of missense changes on protein structure and function (PolyPhen-2) suggests that this variant is likely to be disruptive.

NM_031935.3(HMCN1):c.16754A>C (p.Glu5585Ala)

Gene: HMCN1 (hemicentin 1; plus strand). Cytogenetic location: 1q31.1.
Variant type: single nucleotide variant.
Coding change: c.16754A>C on transcript NM_031935.3 (MANE Select); coding-DNA position 16754, A replaced by C.
Protein change: p.Glu5585Ala; replaces glutamic acid 5585 with alanine.
Molecular consequence: missense variant.
Genome position (GRCh38, 1-based): chr1:186,189,724, A>C. VCF-style: chr1-186189724-A-C. GRCh37 (hg19) VCF-style: chr1-186158856-A-C.
Other names: short protein forms E5585A.
Identifiers: ClinVar variation 294311 (VCV000294311.11), dbSNP rs771757920, ClinGen allele CA1295643.